The following is an entry in ClinVar:

ClinVar aggregate classification (germline): Uncertain significance. Review status: criteria provided, multiple submitters, no conflicts (2 of 4 stars). 2 submissions from 2 submitters: Uncertain significance (2). Last evaluated 2024-08-19.

Conditions:
Familial thoracic aortic aneurysm and aortic dissection (TAAD). Also called: Thoracic aortic aneurysms and dissections. Identifiers: Orphanet 91387, MedGen C4707243, MONDO:0019625.
FG syndrome (FGS). Identifiers: MedGen C0220769, MONDO:0002010.

Allele frequency attached by ClinVar (database versions not stated): TOPMed below 0.00001; gnomAD exomes 0.00001.
gnomAD v4.1: 6 of 1,156,172 alleles (0.00052%); highest among the groups gnomAD compares: Non-Finnish European, 0.00058%; no homozygotes.

Submissions (2):

Ambry Genetics
Classification: Uncertain significance for Familial thoracic aortic aneurysm and aortic dissection. Last evaluated: 2024-08-19. Review status: criteria provided, single submitter. Criteria: Ambry Variant Classification Scheme 2023. Collection method: clinical testing. Allele origin: germline.
Comment: The p.T1546M variant (also known as c.4637C>T), located in coding exon 34 of the MED12 gene, results from a C to T substitution at nucleotide position 4637. The threonine at codon 1546 is replaced by methionine, an amino acid with similar properties. This amino acid position is conserved. In addition, the in silico prediction for this alteration is inconclusive. Based on the available evidence, the clinical significance of this variant remains unclear.

Labcorp Genetics (formerly Invitae), Labcorp
Classification: Uncertain significance for FG syndrome. Last evaluated: 2024-05-06. Review status: criteria provided, single submitter. Criteria: Invitae Variant Classification Sherloc (09022015). Collection method: clinical testing. Allele origin: germline.
Comment: This sequence change replaces threonine, which is neutral and polar, with methionine, which is neutral and non-polar, at codon 1546 of the MED12 protein (p.Thr1546Met). This variant is not present in population databases (gnomAD no frequency). This variant has not been reported in the literature in individuals affected with MED12-related conditions. Advanced modeling of protein sequence and biophysical properties (such as structural, functional, and spatial information, amino acid conservation, physicochemical variation, residue mobility, and thermodynamic stability) has been performed at Invitae for this missense variant, however the output from this modeling did not meet the statistical confidence thresholds required to predict the impact of this variant on MED12 protein function. In summary, the available evidence is currently insufficient to determine the role of this variant in disease. Therefore, it has been classified as a Variant of Uncertain Significance.

NM_005120.3(MED12):c.4637C>T (p.Thr1546Met)

Gene: MED12 (mediator complex subunit 12; plus strand). Cytogenetic location: Xq13.1.
Variant type: single nucleotide variant.
Coding change: c.4637C>T on transcript NM_005120.3 (MANE Select); coding-DNA position 4637, C replaced by T.
Protein change: p.Thr1546Met; replaces threonine 1546 with methionine.
Molecular consequence: missense variant.
Genome position (GRCh38, 1-based): chrX:71,134,376, C>T. VCF-style: chrX-71134376-C-T. GRCh37 (hg19) VCF-style: chrX-70354226-C-T.
Other names: short protein forms T1546M.
Identifiers: ClinVar variation 3124874 (VCV003124874.4), dbSNP rs1423751717, ClinGen allele CA413531359.